The following is an entry in ClinVar:

ClinVar aggregate classification (germline): Uncertain significance (1 of 4 stars; one submission).

Conditions:
Marfan syndrome (MFS). Also called: MARFAN SYNDROME, TYPE I; Marfan syndrome type 1; Marfan's syndrome; Marfan syndrome, classic; FBN1-Related Marfan Syndrome. Identifiers: Orphanet 284963, Orphanet 558, MedGen C0024796, MONDO:0007947, OMIM 154700.

Submission:

All of Us Research Program, National Institutes of Health
Classification: Uncertain significance for Marfan syndrome. Last evaluated: 2023-03-04. Review status: criteria provided, single submitter. Criteria: ACMG Guidelines, 2015. Collection method: clinical testing. Allele origin: germline. Inheritance: Autosomal dominant inheritance. Observed: 1 variant allele, 1 heterozygote.
Comment: This study involves interpretation of variants in research participants for the purpose of population health screening. Participant phenotype was not available at the time of variant classification. Additional details can be found in publication PMID: 35346344, PMCID: PMC8962531

NM_000138.5(FBN1):c.382A>C (p.Ser128Arg)

Gene: FBN1 (fibrillin 1; minus strand). Cytogenetic location: 15q21.1.
Variant type: single nucleotide variant.
Coding change: c.382A>C on transcript NM_000138.5 (MANE Select); coding-DNA position 382, A replaced by C.
Protein change: p.Ser128Arg; replaces serine 128 with arginine.
Molecular consequence: missense variant.
Genome position (GRCh38, 1-based): chr15:48,600,199, T>G on the plus strand (A>C on the coding strand, the complement: FBN1 is on the minus strand). VCF-style: chr15-48600199-T-G. GRCh37 (hg19) VCF-style: chr15-48892396-T-G.
Other names: c.382A>C, p.Ser128Arg (NM_001406716.1, NM_001406717.1); short protein forms S128R.
Identifiers: ClinVar variation 3069469 (VCV003069469.1), dbSNP rs2505761081, ClinGen allele CA392446566.
Genomic context (GRCh38, chr15:48,600,199, plus strand): 5'-GTTGTCCACAGTGAGTCCCTATGTATCCTTTCTGGCATAGACAGTGATCGTCACTGCAGC[T>G]ACCTCCATTCATACAGCGAATATTGCAGTGTTGTACTTGAAAAAAAAGAAGAAGAATTCA-3'
Protein context (NP_000129.3, residues 118-138): HCNIRCMNGG[Ser128Arg]CSDDHCLCQK